The following is an entry in ClinVar:

ClinVar aggregate classification (germline): Uncertain significance (1 of 4 stars; one submission).

Submission:

Labcorp Genetics (formerly Invitae), Labcorp
Classification: Uncertain significance. Last evaluated: 2022-05-18. Review status: criteria provided, single submitter. Criteria: Invitae Variant Classification Sherloc (09022015). Collection method: clinical testing. Allele origin: germline.
Comment: In summary, the available evidence is currently insufficient to determine the role of this variant in disease. Therefore, it has been classified as a Variant of Uncertain Significance. Algorithms developed to predict the effect of sequence changes on RNA splicing suggest that this variant may create or strengthen a splice site. This variant is not present in population databases (gnomAD no frequency). Algorithms developed to predict the effect of missense changes on protein structure and function are either unavailable or do not agree on the potential impact of this missense change (SIFT: "Deleterious"; PolyPhen-2: "Probably Damaging"; Align-GVGD: "Class C0"). This variant has not been reported in the literature in individuals affected with ARL3-related conditions. This sequence change replaces glycine, which is neutral and non-polar, with cysteine, which is neutral and slightly polar, at codon 2 of the ARL3 protein (p.Gly2Cys).

NM_004311.4(ARL3):c.4G>T (p.Gly2Cys)

Gene: ARL3 (ARF like GTPase 3; minus strand). Cytogenetic location: 10q24.32.
Variant type: single nucleotide variant.
Coding change: c.4G>T on transcript NM_004311.4 (MANE Select); coding-DNA position 4, G replaced by T.
Protein change: p.Gly2Cys; replaces glycine 2 with cysteine.
Molecular consequence: missense variant.
Genome position (GRCh38, 1-based): chr10:102,705,489, C>A on the plus strand (G>T on the coding strand, the complement: ARL3 is on the minus strand). VCF-style: chr10-102705489-C-A. GRCh37 (hg19) VCF-style: chr10-104465246-C-A.
Other names: short protein forms G2C.
Identifiers: ClinVar variation 1938498 (VCV001938498.5), dbSNP rs2492977569, ClinGen allele CA377924141.